The following is an entry in ClinVar:

ClinVar aggregate classification (germline): Likely benign (1 of 4 stars; one submission).

Allele frequency attached by ClinVar (database versions not stated): gnomAD 0.00001; gnomAD exomes 0.00001; TOPMed 0.00001; ExAC 0.00032.
gnomAD v4.1: 14 of 1,489,114 alleles (0.00094%); highest among the groups gnomAD compares: Middle Eastern, 0.11%; no homozygotes.

Submission:

CeGaT Center for Human Genetics Tuebingen
Classification: Likely benign. Last evaluated: 2022-05-01. Review status: criteria provided, single submitter. Criteria: CeGaT Center For Human Genetics Tuebingen Variant Classification Criteria Version 2. Collection method: clinical testing. Allele origin: germline. Affected: yes. Observed: 1 variant allele.
Comment: ZNF503: BP4, BP7

NM_032772.6(ZNF503):c.93C>T (p.Ala31=)

Gene: ZNF503 (zinc finger protein 503; minus strand). Cytogenetic location: 10q22.2.
Variant type: single nucleotide variant.
Coding change: c.93C>T on transcript NM_032772.6 (MANE Select); coding-DNA position 93, C replaced by T.
Protein change: p.Ala31=; no amino-acid change (alanine 31 retained).
Molecular consequence: synonymous variant. On other transcripts: non-coding transcript variant (1).
Genome position (GRCh38, 1-based): chr10:75,401,327, G>A on the plus strand (C>T on the coding strand, the complement: ZNF503 is on the minus strand). VCF-style: chr10-75401327-G-A. GRCh37 (hg19) VCF-style: chr10-77161085-G-A.
Identifiers: ClinVar variation 2640611 (VCV002640611.24), dbSNP rs767771319, ClinGen allele CA5567352.
Genomic context (GRCh38, chr10:75,401,327, plus strand): 5'-GCCGGCCGGGGACGAGCCTGGGCCGGGGCCGGAGCTATTTCCAGAGAGCGCGCTGGTCCA[G>A]GCAGGGTCTGCACCGCCGCCTCCGCCTCCGCCGCCGCCGCCGCCGCTGTGCTTACTGCTT-3'
Protein context (NP_116161.2, residues 21-41): GGGGGGGADP[Ala31=]WTSALSGNSS